The following is an entry in ClinVar:

NM_015331.3(NCSTN):c.2105G>A (p.Arg702Gln)

Gene: NCSTN (nicastrin; plus strand). Cytogenetic location: 1q23.2.
Variant type: single nucleotide variant.
Coding change: c.2105G>A on transcript NM_015331.3 (MANE Select); coding-DNA position 2105, G replaced by A.
Protein change: p.Arg702Gln; replaces arginine 702 with glutamine.
Molecular consequence: missense variant.
Genome position (GRCh38, 1-based): chr1:160,358,246, G>A. VCF-style: chr1-160358246-G-A. GRCh37 (hg19) VCF-style: chr1-160328036-G-A.
Other names: c.2045G>A, p.Arg682Gln (NM_001290184.2); c.1691G>A, p.Arg564Gln (NM_001290186.2); c.1892G>A, p.Arg631Gln (NM_001349729.2); short protein forms R702Q, R564Q, R631Q, R682Q.
Identifiers: ClinVar variation 4775588 (VCV004775588.1).

ClinVar aggregate classification (germline): Uncertain significance (1 of 4 stars; one submission).

gnomAD v4.1: 5 of 1,614,002 alleles (0.00031%); highest among the groups gnomAD compares: Admixed American, 0.0017%; no homozygotes.

Submission:

Labcorp Genetics (formerly Invitae), Labcorp
Classification: Uncertain significance. Last evaluated: 2025-04-21. Review status: criteria provided, single submitter. Criteria: Invitae Variant Classification Sherloc (09022015). Collection method: clinical testing. Allele origin: germline.
Comment: This sequence change replaces arginine, which is basic and polar, with glutamine, which is neutral and polar, at codon 702 of the NCSTN protein (p.Arg702Gln). This variant is present in population databases (rs140345723, gnomAD 0.003%). This variant has not been reported in the literature in individuals affected with NCSTN-related conditions. An algorithm developed to predict the effect of missense changes on protein structure and function (PolyPhen-2) suggests that this variant is likely to be disruptive. Algorithms developed to predict the effect of sequence changes on RNA splicing suggest that this variant may create or strengthen a splice site. In summary, the available evidence is currently insufficient to determine the role of this variant in disease. Therefore, it has been classified as a Variant of Uncertain Significance.